The following is an entry in ClinVar:

NM_025081.3(NYNRIN):c.2806G>A (p.Asp936Asn)

Gene: NYNRIN (NYN domain and retroviral integrase containing; plus strand). Cytogenetic location: 14q12.
Variant type: single nucleotide variant.
Coding change: c.2806G>A on transcript NM_025081.3 (MANE Select); coding-DNA position 2806, G replaced by A.
Protein change: p.Asp936Asn; replaces aspartic acid 936 with asparagine.
Molecular consequence: missense variant.
Genome position (GRCh38, 1-based): chr14:24,413,377, G>A. VCF-style: chr14-24413377-G-A. GRCh37 (hg19) VCF-style: chr14-24882583-G-A.
Other names: short protein forms D936N.
Identifiers: ClinVar variation 3641021 (VCV003641021.2).

ClinVar aggregate classification (germline): Uncertain significance (1 of 4 stars; one submission).

gnomAD v4.1: 2 of 1,613,412 alleles (0.00012%); highest among the groups gnomAD compares: Non-Finnish European, 0.00017%; no homozygotes.

Submission:

Labcorp Genetics (formerly Invitae), Labcorp
Classification: Uncertain significance. Last evaluated: 2024-11-06. Review status: criteria provided, single submitter. Criteria: Invitae Variant Classification Sherloc (09022015). Collection method: clinical testing. Allele origin: germline.
Comment: This sequence change replaces aspartic acid, which is acidic and polar, with asparagine, which is neutral and polar, at codon 936 of the NYNRIN protein (p.Asp936Asn). This variant is present in population databases (rs767604457, gnomAD 0.0009%). This variant has not been reported in the literature in individuals affected with NYNRIN-related conditions. An algorithm developed to predict the effect of missense changes on protein structure and function outputs the following: PolyPhen-2: "Not Available". The asparagine amino acid residue is found in multiple mammalian species, which suggests that this missense change does not adversely affect protein function. In summary, the available evidence is currently insufficient to determine the role of this variant in disease. Therefore, it has been classified as a Variant of Uncertain Significance.